The following is an entry in ClinVar:

ClinVar aggregate classification (germline): Uncertain significance. Review status: criteria provided, multiple submitters, no conflicts (2 of 4 stars). 2 submissions from 2 submitters: Uncertain significance (2). Last evaluated 2022-03-05.
ClinVar aggregate classification (oncogenicity): Uncertain significance (1 of 4 stars; one submission).

Conditions:
Hereditary cancer-predisposing syndrome. Also called: Tumor predisposition; Neoplastic Syndromes, Hereditary; Hereditary Cancer Syndrome; Hereditary neoplastic syndrome. Identifiers: Orphanet 140162, MedGen C0027672, MeSH D009386, MONDO:0015356.
Ataxia-telangiectasia syndrome (AT). Also called: ATAXIA-TELANGIECTASIA, COMPLEMENTATION GROUP A; ATAXIA-TELANGIECTASIA, FRESNO VARIANT; Ataxia-telangiectasia; Ataxia-telangiectasia, complementation group D; AT, COMPLEMENTATION GROUP C; Ataxia-telangiectasia, complementation group E. Identifiers: Orphanet 100, MedGen C0004135, MONDO:0008840, OMIM 208900.
Neoplasm. Also called: tumor; Neoplasms; Neoplasm (disease). Identifiers: MedGen C0027651, MeSH D009369, MONDO:0005070, HP:0002664.

Submissions (3):

Center for Genomic Medicine, Rigshospitalet, Copenhagen University Hospital
Classification: Uncertain significance for Neoplasm. Last evaluated: 2025-03-04. Review status: criteria provided, single submitter. Criteria: ClinGen/CGC/VICC Guidelines for Oncogenicity, 2022. Collection method: clinical testing. Allele origin: somatic. Affected: yes.

Labcorp Genetics (formerly Invitae), Labcorp
Classification: Uncertain significance for Ataxia-telangiectasia syndrome. Last evaluated: 2022-03-05. Review status: criteria provided, single submitter. Criteria: Invitae Variant Classification Sherloc (09022015). Collection method: clinical testing. Allele origin: germline.
Comment: This sequence change replaces leucine, which is neutral and non-polar, with proline, which is neutral and non-polar, at codon 2455 of the ATM protein (p.Leu2455Pro). In summary, the available evidence is currently insufficient to determine the role of this variant in disease. Therefore, it has been classified as a Variant of Uncertain Significance. Advanced modeling of protein sequence and biophysical properties (such as structural, functional, and spatial information, amino acid conservation, physicochemical variation, residue mobility, and thermodynamic stability) performed at Invitae indicates that this missense variant is expected to disrupt ATM protein function. ClinVar contains an entry for this variant (Variation ID: 862513). This variant has not been reported in the literature in individuals affected with ATM-related conditions. This variant is not present in population databases (gnomAD no frequency).

Ambry Genetics
Classification: Uncertain significance for Hereditary cancer-predisposing syndrome. Last evaluated: 2021-11-24. Review status: criteria provided, single submitter. Criteria: Ambry Variant Classification Scheme 2023. Collection method: clinical testing. Allele origin: germline.
Comment: The p.L2455P variant (also known as c.7364T>C), located in coding exon 49 of the ATM gene, results from a T to C substitution at nucleotide position 7364. The leucine at codon 2455 is replaced by proline, an amino acid with similar properties. This amino acid position is conserved. In addition, this alteration is predicted to be deleterious by in silico analysis. Since supporting evidence is limited at this time, the clinical significance of this alteration remains unclear.

NM_000051.4(ATM):c.7364T>C (p.Leu2455Pro)

Genes: ATM (ATM serine/threonine kinase; plus strand), C11orf65 (chromosome 11 open reading frame 65; minus strand). Cytogenetic location: 11q22.3.
Variant type: single nucleotide variant.
Coding change: c.7364T>C on transcript NM_000051.4 (MANE Select); coding-DNA position 7364, T replaced by C.
Protein change: p.Leu2455Pro; replaces leucine 2455 with proline.
Molecular consequence: missense variant. On other transcripts: intron variant (2).
Genome position (GRCh38, 1-based): chr11:108,330,270, T>C. VCF-style: chr11-108330270-T-C. GRCh37 (hg19) VCF-style: chr11-108200997-T-C.
Other names: c.7364T>C, p.Leu2455Pro (NM_001351834.2); c.641-21199A>G (NM_001330368.2); c.*38+4950A>G (NM_001351110.2); short protein forms L2455P.
Identifiers: ClinVar variation 862513 (VCV000862513.14), dbSNP rs1555123056, ClinGen allele CA382559967.